The following is an entry in ClinVar:

ClinVar aggregate classification (germline): Conflicting classifications of pathogenicity. Review status: criteria provided, conflicting classifications (1 of 4 stars). 6 submissions from 6 submitters: Uncertain significance (5); Likely benign (1). Last evaluated 2025-08-13.

Conditions:
ADAMTS13-related disorder. Also called: ADAMTS13-related condition.
Inborn genetic diseases. Identifiers: MedGen C0950123, MeSH D030342.
Upshaw-Schulman syndrome (TTP). Also called: Congenital thrombotic thrombocytopenic purpura; THROMBOTIC THROMBOCYTOPENIC PURPURA, HEREDITARY. Identifiers: Orphanet 93583, MedGen C1268935, MONDO:0010122, OMIM 274150.

Allele frequency attached by ClinVar (database versions not stated): gnomAD 0.00001; gnomAD exomes 0.00001; TOPMed 0.00004; ExAC 0.00005.
gnomAD v4.1: 36 of 1,613,798 alleles (0.0022%); highest among the groups gnomAD compares: East Asian, 0.013%; no homozygotes.

Submissions (6):

PreventionGenetics, part of Exact Sciences
Classification: Uncertain significance for ADAMTS13-related condition. Last evaluated: 2025-08-13. Review status: criteria provided, single submitter. Criteria: ACMG Guidelines, 2015. Collection method: clinical testing. Allele origin: germline.
Comment: The ADAMTS13 c.1477A>C variant is predicted to result in the amino acid substitution p.Ser493Arg. To our knowledge, this variant has not been reported in the literature. This variant is reported in 0.035% of alleles in individuals of East Asian descent in gnomAD. At this time, the clinical significance of this variant is uncertain due to the absence of conclusive functional and genetic evidence.

Labcorp Genetics (formerly Invitae), Labcorp
Classification: Uncertain significance. Last evaluated: 2024-10-16. Review status: criteria provided, single submitter. Criteria: Invitae Variant Classification Sherloc (09022015). Collection method: clinical testing. Allele origin: germline.
Comment: This sequence change replaces serine, which is neutral and polar, with arginine, which is basic and polar, at codon 493 of the ADAMTS13 protein (p.Ser493Arg). This variant is present in population databases (rs377220995, gnomAD 0.04%). This variant has not been reported in the literature in individuals affected with ADAMTS13-related conditions. ClinVar contains an entry for this variant (Variation ID: 2040607). Invitae Evidence Modeling of protein sequence and biophysical properties (such as structural, functional, and spatial information, amino acid conservation, physicochemical variation, residue mobility, and thermodynamic stability) indicates that this missense variant is not expected to disrupt ADAMTS13 protein function with a negative predictive value of 80%. In summary, the available evidence is currently insufficient to determine the role of this variant in disease. Therefore, it has been classified as a Variant of Uncertain Significance.

Mayo Clinic Laboratories, Mayo Clinic
Classification: Uncertain significance. Last evaluated: 2024-06-24. Review status: criteria provided, single submitter. Criteria: ACMG Guidelines, 2015. Collection method: clinical testing. Allele origin: germline. Observed: 2 variant alleles.
Comment: BP4

Fulgent Genetics
Classification: Uncertain significance for Upshaw-Schulman syndrome. Last evaluated: 2024-06-20. Review status: criteria provided, single submitter. Criteria: ACMG Guidelines, 2015. Collection method: clinical testing. Allele origin: germline.

Ambry Genetics
Classification: Likely benign for Inborn genetic diseases. Last evaluated: 2024-02-14. Review status: criteria provided, single submitter. Criteria: Ambry Variant Classification Scheme 2023. Collection method: clinical testing. Allele origin: germline.

Blueprint Genetics
Classification: Uncertain significance. Last evaluated: 2023-10-06. Review status: criteria provided, single submitter. Criteria: ACMG Guidelines, 2015. Collection method: clinical testing. Allele origin: germline.

NM_139027.6(ADAMTS13):c.1477A>C (p.Ser493Arg)

Gene: ADAMTS13 (ADAM metallopeptidase with thrombospondin type 1 motif 13; plus strand). Cytogenetic location: 9q34.2.
Variant type: single nucleotide variant.
Coding change: c.1477A>C on transcript NM_139027.6 (MANE Select); coding-DNA position 1477, A replaced by C.
Protein change: p.Ser493Arg; replaces serine 493 with arginine.
Molecular consequence: missense variant.
Genome position (GRCh38, 1-based): chr9:133,437,790, A>C. VCF-style: chr9-133437790-A-C. GRCh37 (hg19) VCF-style: chr9-136302910-A-C.
Other names: p.Ser493Arg; c.1477A>C, p.Ser493Arg (NM_139025.5); c.1384A>C, p.Ser462Arg (NM_139026.6); short protein forms S493R, S462R.
Identifiers: ClinVar variation 2040607 (VCV002040607.8), dbSNP rs377220995, ClinGen allele CA200930266.